The following is an entry in ClinVar:

ClinVar aggregate classification (germline): Conflicting classifications of pathogenicity. Review status: criteria provided, conflicting classifications (1 of 4 stars). 2 submissions from 2 submitters: Uncertain significance (1); Likely benign (1). Last evaluated 2024-10-08.

Allele frequency attached by ClinVar (database versions not stated): 1000 Genomes Project 30x 0.00016; 1000 Genomes Project 0.00020; gnomAD 0.00041; TOPMed 0.00041; ESP Exome Variant Server 0.00056; ExAC 0.00112.
gnomAD v4.1: 866 of 1,571,610 alleles (0.055%); highest among the groups gnomAD compares: Non-Finnish European, 0.071%; no homozygotes.

Submissions (2):

GeneDx
Classification: Uncertain significance. Last evaluated: 2024-10-08. Review status: criteria provided, single submitter. Criteria: GeneDx Variant Classification Process June 2021. Collection method: clinical testing. Allele origin: germline. Affected: yes.
Comment: In silico analysis does not support a benign or deleterious effect of this variant on protein structure/function; Has not been previously published as pathogenic or benign to our knowledge

CeGaT Center for Human Genetics Tuebingen
Classification: Likely benign. Last evaluated: 2023-11-01. Review status: criteria provided, single submitter. Criteria: CeGaT Center For Human Genetics Tuebingen Variant Classification Criteria Version 2. Collection method: clinical testing. Allele origin: germline. Affected: yes. Observed: 2 variant alleles.
Comment: TET3: BP4

NM_001287491.2(TET3):c.3638G>A (p.Gly1213Asp)

Gene: TET3 (tet methylcytosine dioxygenase 3; plus strand). Cytogenetic location: 2p13.1.
Variant type: single nucleotide variant.
Coding change: c.3638G>A on transcript NM_001287491.2 (MANE Select); coding-DNA position 3638, G replaced by A.
Protein change: p.Gly1213Asp; replaces glycine 1213 with aspartic acid.
Molecular consequence: missense variant.
Genome position (GRCh38, 1-based): chr2:74,100,426, G>A. VCF-style: chr2-74100426-G-A. GRCh37 (hg19) VCF-style: chr2-74327553-G-A.
Other names: c.3359G>A, p.Gly1120Asp (NM_001366022.1); c.3233G>A, p.Gly1078Asp (NM_144993.1); short protein forms G1078D, G1120D, G1213D.
Identifiers: ClinVar variation 1707111 (VCV001707111.28), dbSNP rs200937244, ClinGen allele CA1719055.